The following is an entry in ClinVar:

NM_015386.3(COG4):c.1624G>T (p.Asp542Tyr)

Gene: COG4 (component of oligomeric golgi complex 4; minus strand). Cytogenetic location: 16q22.1.
Variant type: single nucleotide variant.
Coding change: c.1624G>T on transcript NM_015386.3 (MANE Select); coding-DNA position 1624, G replaced by T.
Protein change: p.Asp542Tyr; replaces aspartic acid 542 with tyrosine.
Molecular consequence: missense variant. On other transcripts: non-coding transcript variant (1).
Genome position (GRCh38, 1-based): chr16:70,496,289, C>A on the plus strand (G>T on the coding strand, the complement: COG4 is on the minus strand). VCF-style: chr16-70496289-C-A. GRCh37 (hg19) VCF-style: chr16-70530192-C-A.
Other names: c.1612G>T, p.Asp538Tyr (NM_001195139.2); c.1198G>T, p.Asp400Tyr (NM_001365426.1); short protein forms D400Y, D538Y, D542Y.
Identifiers: ClinVar variation 1366175 (VCV001366175.8), dbSNP rs777169655, ClinGen allele CA8144279.

ClinVar aggregate classification (germline): Uncertain significance (1 of 4 stars; one submission).

Conditions:
COG4-congenital disorder of glycosylation. Also called: CONGENITAL DISORDER OF GLYCOSYLATION, TYPE IIj; CDG IIj; COG4-CDG. Identifiers: Orphanet 263501, MedGen C4303552, MONDO:0013281, OMIM 613489.

Allele frequency attached by ClinVar (database versions not stated): gnomAD exomes below 0.00001 and 0.00001; gnomAD 0.00001; ExAC 0.00002.
gnomAD v4.1: 4 of 1,614,088 alleles (0.00025%); highest among the groups gnomAD compares: East Asian, 0.0067%; no homozygotes.

Submission:

Labcorp Genetics (formerly Invitae), Labcorp
Classification: Uncertain significance for COG4-congenital disorder of glycosylation. Last evaluated: 2023-10-13. Review status: criteria provided, single submitter. Criteria: Invitae Variant Classification Sherloc (09022015). Collection method: clinical testing. Allele origin: germline.
Comment: This sequence change replaces aspartic acid, which is acidic and polar, with tyrosine, which is neutral and polar, at codon 542 of the COG4 protein (p.Asp542Tyr). This variant is present in population databases (rs777169655, gnomAD 0.006%). This variant has not been reported in the literature in individuals affected with COG4-related conditions. ClinVar contains an entry for this variant (Variation ID: 1366175). Advanced modeling of protein sequence and biophysical properties (such as structural, functional, and spatial information, amino acid conservation, physicochemical variation, residue mobility, and thermodynamic stability) performed at Invitae indicates that this missense variant is not expected to disrupt COG4 protein function. In summary, the available evidence is currently insufficient to determine the role of this variant in disease. Therefore, it has been classified as a Variant of Uncertain Significance.